The following is an entry in ClinVar:

NM_018847.4(KLHL9):c.1667A>C (p.Asn556Thr)

Gene: KLHL9 (kelch like family member 9; minus strand). Cytogenetic location: 9p21.3.
Variant type: single nucleotide variant.
Coding change: c.1667A>C on transcript NM_018847.4 (MANE Select); coding-DNA position 1667, A replaced by C.
Protein change: p.Asn556Thr; replaces asparagine 556 with threonine.
Molecular consequence: missense variant.
Genome position (GRCh38, 1-based): chr9:21,333,193, T>G on the plus strand (A>C on the coding strand, the complement: KLHL9 is on the minus strand). VCF-style: chr9-21333193-T-G. GRCh37 (hg19) VCF-style: chr9-21333192-T-G.
Other names: short protein forms N556T.
Identifiers: ClinVar variation 2847145 (VCV002847145.3), dbSNP rs757375921, ClinGen allele CA373067169.

ClinVar aggregate classification (germline): Uncertain significance (1 of 4 stars; one submission).

Submission:

Labcorp Genetics (formerly Invitae), Labcorp
Classification: Uncertain significance. Last evaluated: 2023-03-18. Review status: criteria provided, single submitter. Criteria: Invitae Variant Classification Sherloc (09022015). Collection method: clinical testing. Allele origin: germline.
Comment: In summary, the available evidence is currently insufficient to determine the role of this variant in disease. Therefore, it has been classified as a Variant of Uncertain Significance. An algorithm developed to predict the effect of missense changes on protein structure and function (PolyPhen-2) suggests that this variant is likely to be disruptive. This variant has not been reported in the literature in individuals affected with KLHL9-related conditions. This variant is not present in population databases (gnomAD no frequency). This sequence change replaces asparagine, which is neutral and polar, with threonine, which is neutral and polar, at codon 556 of the KLHL9 protein (p.Asn556Thr).